The following is an entry in ClinVar:

NM_006947.4(SRP72):c.1705A>G (p.Lys569Glu)

Gene: SRP72 (signal recognition particle 72; plus strand). Cytogenetic location: 4q12.
Variant type: single nucleotide variant.
Coding change: c.1705A>G on transcript NM_006947.4 (MANE Select); coding-DNA position 1705, A replaced by G.
Protein change: p.Lys569Glu; replaces lysine 569 with glutamic acid.
Molecular consequence: missense variant. On other transcripts: non-coding transcript variant (1).
Genome position (GRCh38, 1-based): chr4:56,500,562, A>G. VCF-style: chr4-56500562-A-G. GRCh37 (hg19) VCF-style: chr4-57366728-A-G.
Other names: c.1522A>G, p.Lys508Glu (NM_001267722.2); short protein forms K569E, K508E.
Identifiers: ClinVar variation 3801453 (VCV003801453.1).

ClinVar aggregate classification (germline): Uncertain significance (1 of 4 stars; one submission).

gnomAD v4.1: 3 of 1,613,794 alleles (0.00019%); highest among the groups gnomAD compares: Non-Finnish European, 0.00025%; no homozygotes.

Submission:

Ambry Genetics
Classification: Uncertain significance. Last evaluated: 2025-01-20. Review status: criteria provided, single submitter. Criteria: Ambry Variant Classification Scheme 2023. Collection method: clinical testing. Allele origin: germline.
Comment: The p.K569E variant (also known as c.1705A>G), located in coding exon 18 of the SRP72 gene, results from an A to G substitution at nucleotide position 1705. The lysine at codon 569 is replaced by glutamic acid, an amino acid with similar properties. This amino acid position is conserved. In addition, the in silico prediction for this alteration is inconclusive. Based on the available evidence, the clinical significance of this variant remains unclear.